The following is an entry in ClinVar:

ClinVar aggregate classification (germline): Pathogenic/Likely pathogenic. Review status: criteria provided, multiple submitters, no conflicts (2 of 4 stars). 3 submissions from 3 submitters: Pathogenic (2); Likely pathogenic (1). Last evaluated 2024-03-21.

Conditions:
ABCA4-related disorder. Also called: ABCA4-related disorders; ABCA4-related condition. Identifiers: MedGen CN239167.
Severe early-childhood-onset retinal dystrophy (STGD1). Also called: MACULAR DYSTROPHY WITH FLECKS, TYPE 1; STGD; Stargardt macular dystrophy; Juvenile onset macular degeneration; Stargardt disease 1. Identifiers: Orphanet 364055, Orphanet 827, MedGen C1855465, MeSH D000080362, MONDO:0009549, OMIM 248200.

Submissions (3):

Blueprint Genetics
Classification: Pathogenic for ABCA4-related disorders. Last evaluated: 2024-03-21. Review status: criteria provided, single submitter. Criteria: ACMG Guidelines, 2015. Collection method: clinical testing. Allele origin: germline. Affected: yes. Observed: 1 variant allele.

Labcorp Genetics (formerly Invitae), Labcorp
Classification: Pathogenic. Last evaluated: 2023-08-29. Review status: criteria provided, single submitter. Criteria: Invitae Variant Classification Sherloc (09022015). Collection method: clinical testing. Allele origin: germline.
Comment: This sequence change replaces glycine, which is neutral and non-polar, with valine, which is neutral and non-polar, at codon 631 of the ABCA4 protein (p.Gly631Val). This variant is present in population databases (no rsID available, gnomAD 0.006%). For these reasons, this variant has been classified as Pathogenic. This variant disrupts the p.Gly631 amino acid residue in ABCA4. Other variant(s) that disrupt this residue have been determined to be pathogenic (Invitae). This suggests that this residue is clinically significant, and that variants that disrupt this residue are likely to be disease-causing. Advanced modeling of protein sequence and biophysical properties (such as structural, functional, and spatial information, amino acid conservation, physicochemical variation, residue mobility, and thermodynamic stability) performed at Invitae indicates that this missense variant is expected to disrupt ABCA4 protein function. This missense change has been observed in individual(s) with Stargardt disease (PMID: 31543898, 32845068, 33301772). In at least one individual the data is consistent with being in trans (on the opposite chromosome) from a pathogenic variant.

Juno Genomics, Hangzhou Juno Genomics, Inc
Classification: Likely pathogenic for Severe early-childhood-onset retinal dystrophy. Review status: criteria provided, single submitter. Criteria: ACMG Guidelines, 2015. Collection method: clinical testing. Allele origin: germline.
Comment: Absent from controls (or at extremely low frequency if recessive) in Genome Aggregation Database.;Multiple lines of computational evidence support a deleterious effect on the gene or gene product.;For recessive disorders, detected in trans with a pathogenic variant.;Patient's phenotype or family history is highly specific for a disease with a single genetic etiology.

Literature cited by the submitters: PubMed 31543898 (cited by Labcorp Genetics (formerly Invitae), Labcorp); PubMed 32845068 (cited by Labcorp Genetics (formerly Invitae), Labcorp); PubMed 33301772 (cited by Labcorp Genetics (formerly Invitae), Labcorp).

NM_000350.3(ABCA4):c.1892G>T (p.Gly631Val)

Gene: ABCA4 (ATP binding cassette subfamily A member 4; minus strand). Cytogenetic location: 1p22.1.
Variant type: single nucleotide variant.
Coding change: c.1892G>T on transcript NM_000350.3 (MANE Select); coding-DNA position 1892, G replaced by T.
Protein change: p.Gly631Val; replaces glycine 631 with valine.
Molecular consequence: missense variant.
Genome position (GRCh38, 1-based): chr1:94,062,622, C>A on the plus strand (G>T on the coding strand, the complement: ABCA4 is on the minus strand). VCF-style: chr1-94062622-C-A. GRCh37 (hg19) VCF-style: chr1-94528178-C-A.
Other names: c.1892G>T, p.Gly631Val (NM_001425324.1); short protein forms G631V.
Identifiers: ClinVar variation 2907285 (VCV002907285.6), dbSNP rs1360564195, ClinGen allele CA341279310.